The following is an entry in ClinVar:

ClinVar aggregate classification (germline): Pathogenic (1 of 4 stars; one submission).

Allele frequency attached by ClinVar (database versions not stated): ExAC 0.00002; ESP Exome Variant Server 0.00008; gnomAD 0.00002; TOPMed 0.00001.
gnomAD v4.1: 13 of 1,614,010 alleles (0.00081%); highest among the groups gnomAD compares: African/African-American, 0.0027%; no homozygotes.

Submission:

Labcorp Genetics (formerly Invitae), Labcorp
Classification: Pathogenic. Last evaluated: 2025-04-28. Review status: criteria provided, single submitter. Criteria: Invitae Variant Classification Sherloc (09022015). Collection method: clinical testing. Allele origin: germline.
Comment: This sequence change creates a premature translational stop signal (p.Arg319*) in the ADAMTS17 gene. It is expected to result in an absent or disrupted protein product. Loss-of-function variants in ADAMTS17 are known to be pathogenic (PMID: 19836009, 24940034). This variant is present in population databases (rs201484140, gnomAD 0.008%). This variant has not been reported in the literature in individuals affected with ADAMTS17-related conditions. ClinVar contains an entry for this variant (Variation ID: 2977270). For these reasons, this variant has been classified as Pathogenic.

Literature cited by the submitters: PubMed 19836009; PubMed 24940034.

NM_139057.4(ADAMTS17):c.955C>T (p.Arg319Ter)

Gene: ADAMTS17 (ADAM metallopeptidase with thrombospondin type 1 motif 17; minus strand). Cytogenetic location: 15q26.3.
Variant type: single nucleotide variant.
Coding change: c.955C>T on transcript NM_139057.4 (MANE Select); coding-DNA position 955, C replaced by T.
Protein change: p.Arg319Ter; replaces arginine 319 with a stop codon.
Molecular consequence: nonsense.
Genome position (GRCh38, 1-based): chr15:100,261,555, G>A on the plus strand (C>T on the coding strand, the complement: ADAMTS17 is on the minus strand). VCF-style: chr15-100261555-G-A. GRCh37 (hg19) VCF-style: chr15-100801760-G-A.
Other names: short protein forms R319*.
Identifiers: ClinVar variation 2977270 (VCV002977270.3), dbSNP rs201484140, ClinGen allele CA7758468.